The following is an entry in ClinVar:

NM_032656.4(DHX37):c.703G>A (p.Val235Ile)

Gene: DHX37 (DEAH-box helicase 37; minus strand). Cytogenetic location: 12q24.31.
Variant type: single nucleotide variant.
Coding change: c.703G>A on transcript NM_032656.4 (MANE Select); coding-DNA position 703, G replaced by A.
Protein change: p.Val235Ile; replaces valine 235 with isoleucine.
Molecular consequence: missense variant.
Genome position (GRCh38, 1-based): chr12:124,980,525, C>T on the plus strand (G>A on the coding strand, the complement: DHX37 is on the minus strand). VCF-style: chr12-124980525-C-T. GRCh37 (hg19) VCF-style: chr12-125465071-C-T.
Other names: c.703G>A (NM_032656.3); short protein forms V235I.
Identifiers: ClinVar variation 2643583 (VCV002643583.25), dbSNP rs373907134, ClinGen allele CA6872375.

ClinVar aggregate classification (germline): Conflicting classifications of pathogenicity. Review status: criteria provided, conflicting classifications (1 of 4 stars). 2 submissions from 2 submitters: Uncertain significance (1); Likely benign (1). Last evaluated 2023-09-21.

Conditions:
Inborn genetic diseases. Identifiers: MedGen C0950123, MeSH D030342.

Allele frequency attached by ClinVar (database versions not stated): gnomAD exomes 0.00003; TOPMed 0.00004; gnomAD 0.00006; ExAC 0.00008; ESP Exome Variant Server 0.00008; 1000 Genomes Project 30x 0.00016; 1000 Genomes Project 0.00020.
gnomAD v4.1: 62 of 1,611,816 alleles (0.0038%); highest among the groups gnomAD compares: South Asian, 0.022%; 1 homozygote.

Submissions (2):

Ambry Genetics
Classification: Uncertain significance for Inborn genetic diseases. Last evaluated: 2023-09-21. Review status: criteria provided, single submitter. Criteria: Ambry Variant Classification Scheme 2023. Collection method: clinical testing. Allele origin: germline.

CeGaT Center for Human Genetics Tuebingen
Classification: Likely benign. Last evaluated: 2023-08-01. Review status: criteria provided, single submitter. Criteria: CeGaT Center For Human Genetics Tuebingen Variant Classification Criteria Version 2. Collection method: clinical testing. Allele origin: germline. Affected: yes. Observed: 1 variant allele.
Comment: DHX37: BP4